The following is an entry in ClinVar:

ClinVar aggregate classification (germline): Uncertain significance. Review status: criteria provided, multiple submitters, no conflicts (2 of 4 stars). 2 submissions from 2 submitters: Uncertain significance (2). Last evaluated 2024-08-27.

Conditions:
Bardet-Biedl syndrome (BBS). Identifiers: Orphanet 110, MedGen C0752166, MONDO:0015229.

Allele frequency attached by ClinVar (database versions not stated): gnomAD 0.00001; gnomAD exomes 0.00001; TOPMed 0.00001.
gnomAD v4.1: 13 of 1,613,452 alleles (0.00081%); highest among the groups gnomAD compares: East Asian, 0.0022%; no homozygotes.

Submissions (2):

GeneDx
Classification: Uncertain significance. Last evaluated: 2024-08-27. Review status: criteria provided, single submitter. Criteria: GeneDx Variant Classification Process June 2021. Collection method: clinical testing. Allele origin: germline. Affected: yes.
Comment: Not observed at significant frequency in large population cohorts (gnomAD); In silico analysis supports that this missense variant has a deleterious effect on protein structure/function; Has not been previously published as pathogenic or benign to our knowledge

Labcorp Genetics (formerly Invitae), Labcorp
Classification: Uncertain significance for Bardet-Biedl syndrome. Last evaluated: 2022-09-13. Review status: criteria provided, single submitter. Criteria: Invitae Variant Classification Sherloc (09022015). Collection method: clinical testing. Allele origin: germline.
Comment: This sequence change replaces arginine, which is basic and polar, with glutamine, which is neutral and polar, at codon 89 of the BBS5 protein (p.Arg89Gln). This variant is present in population databases (no rsID available, gnomAD 0.002%). This variant has not been reported in the literature in individuals affected with BBS5-related conditions. ClinVar contains an entry for this variant (Variation ID: 1384415). Advanced modeling of protein sequence and biophysical properties (such as structural, functional, and spatial information, amino acid conservation, physicochemical variation, residue mobility, and thermodynamic stability) performed at Invitae indicates that this missense variant is not expected to disrupt BBS5 protein function. In summary, the available evidence is currently insufficient to determine the role of this variant in disease. Therefore, it has been classified as a Variant of Uncertain Significance.

NM_152384.3(BBS5):c.266G>A (p.Arg89Gln)

Gene: BBS5 (Bardet-Biedl syndrome 5; plus strand). Cytogenetic location: 2q31.1.
Variant type: single nucleotide variant.
Coding change: c.266G>A on transcript NM_152384.3 (MANE Select); coding-DNA position 266, G replaced by A.
Protein change: p.Arg89Gln; replaces arginine 89 with glutamine.
Molecular consequence: missense variant.
Genome position (GRCh38, 1-based): chr2:169,487,994, G>A. VCF-style: chr2-169487994-G-A. GRCh37 (hg19) VCF-style: chr2-170344504-G-A.
Other names: c.266G>A (NM_152384.2); short protein forms R89Q.
Identifiers: ClinVar variation 1384415 (VCV001384415.6), dbSNP rs931751345, ClinGen allele CA59930414.
Genomic context (GRCh38, chr2:169,487,994, plus strand): 5'-AAAGGAGAAATTGCTCTTAAAATCTGAACTTTTAAATAAATTTGTCCTTACAGAAATTAC[G>A]AGGCCAAACTGAAGCTCTCTATATACTAACAAAATGTAACAGTACTCGTTTTGAATTTAT-3'
Protein context (NP_689597.1, residues 79-99): ITTRTANSKL[Arg89Gln]GQTEALYILT